The following is an entry in ClinVar:

NM_000488.4(SERPINC1):c.1204A>G (p.Lys402Glu)

Gene: SERPINC1 (serpin family C member 1; minus strand). Cytogenetic location: 1q25.1.
Variant type: single nucleotide variant.
Coding change: c.1204A>G on transcript NM_000488.4 (MANE Select); coding-DNA position 1204, A replaced by G.
Protein change: p.Lys402Glu; replaces lysine 402 with glutamic acid.
Molecular consequence: missense variant.
Genome position (GRCh38, 1-based): chr1:173,907,464, T>C on the plus strand (A>G on the coding strand, the complement: SERPINC1 is on the minus strand). VCF-style: chr1-173907464-T-C. GRCh37 (hg19) VCF-style: chr1-173876602-T-C.
Other names: c.1060A>G, p.Lys354Glu (NM_001365052.2); c.1327A>G, p.Lys443Glu (NM_001386302.1); c.1285A>G, p.Lys429Glu (NM_001386303.1); c.1183A>G, p.Lys395Glu (NM_001386304.1); c.1147A>G, p.Lys383Glu (NM_001386305.1); c.988A>G, p.Lys330Glu (NM_001386306.1); short protein forms K330E, K395E, K443E, K354E, K402E, K383E, K429E.
Identifiers: ClinVar variation 3018042 (VCV003018042.3), dbSNP rs2526559490, ClinGen allele CA343772749.

ClinVar aggregate classification (germline): Uncertain significance (1 of 4 stars; one submission).

Conditions:
Hereditary antithrombin deficiency (AT3D). Also called: Antithrombin deficiency; Antithrombin III deficiency; Thrombophilia due to antithrombin III deficiency; Reduced antithrombin III activity. Identifiers: Orphanet 82, MedGen C0272375, MONDO:0013144, OMIM 613118, HP:0001976.

Submission:

Labcorp Genetics (formerly Invitae), Labcorp
Classification: Uncertain significance for Hereditary antithrombin deficiency. Last evaluated: 2023-02-14. Review status: criteria provided, single submitter. Criteria: Invitae Variant Classification Sherloc (09022015). Collection method: clinical testing. Allele origin: germline.
Comment: This variant has not been reported in the literature in individuals affected with SERPINC1-related conditions. This sequence change replaces lysine, which is basic and polar, with glutamic acid, which is acidic and polar, at codon 402 of the SERPINC1 protein (p.Lys402Glu). This variant is not present in population databases (gnomAD no frequency). Advanced modeling of protein sequence and biophysical properties (such as structural, functional, and spatial information, amino acid conservation, physicochemical variation, residue mobility, and thermodynamic stability) performed at Invitae indicates that this missense variant is not expected to disrupt SERPINC1 protein function. In summary, the available evidence is currently insufficient to determine the role of this variant in disease. Therefore, it has been classified as a Variant of Uncertain Significance.